The following is an entry in ClinVar:

ClinVar aggregate classification (germline): Uncertain significance (1 of 4 stars; one submission).

Conditions:
Ataxia-telangiectasia syndrome (AT). Also called: ATAXIA-TELANGIECTASIA, COMPLEMENTATION GROUP A; ATAXIA-TELANGIECTASIA, FRESNO VARIANT; Ataxia-telangiectasia, complementation group D; LOUIS-BAR SYNDROME; AT, COMPLEMENTATION GROUP C; Ataxia-telangiectasia. Identifiers: Orphanet 100, MedGen C0004135, MONDO:0008840, OMIM 208900.

Allele frequency attached by ClinVar (database versions not stated): ExAC 0.00001; gnomAD 0.00001; 1000 Genomes Project 0.00020; 1000 Genomes Project 30x 0.00031.
gnomAD v4.1: 1 of 1,613,026 alleles (0.000062%); highest among the groups gnomAD compares: African/African-American, 0.0013%; no homozygotes.

Submission:

Labcorp Genetics (formerly Invitae), Labcorp
Classification: Uncertain significance for Ataxia-telangiectasia syndrome. Last evaluated: 2024-01-21. Review status: criteria provided, single submitter. Criteria: Invitae Variant Classification Sherloc (09022015). Collection method: clinical testing. Allele origin: germline.
Comment: This sequence change replaces threonine, which is neutral and polar, with serine, which is neutral and polar, at codon 616 of the ATM protein (p.Thr616Ser). This variant is present in population databases (rs533129312, gnomAD 0.007%). This variant has not been reported in the literature in individuals affected with ATM-related conditions. An algorithm developed to predict the effect of missense changes on protein structure and function (PolyPhen-2) suggests that this variant is likely to be tolerated. In summary, the available evidence is currently insufficient to determine the role of this variant in disease. Therefore, it has been classified as a Variant of Uncertain Significance.

NM_000051.4(ATM):c.1847C>G (p.Thr616Ser)

Gene: ATM (ATM serine/threonine kinase; plus strand). Cytogenetic location: 11q22.3.
Variant type: single nucleotide variant.
Coding change: c.1847C>G on transcript NM_000051.4 (MANE Select); coding-DNA position 1847, C replaced by G.
Protein change: p.Thr616Ser; replaces threonine 616 with serine.
Molecular consequence: missense variant.
Genome position (GRCh38, 1-based): chr11:108,252,861, C>G. VCF-style: chr11-108252861-C-G. GRCh37 (hg19) VCF-style: chr11-108123588-C-G.
Other names: c.1847C>G, p.Thr616Ser (NM_001351834.2); short protein forms T616S.
Identifiers: ClinVar variation 2710604 (VCV002710604.3), dbSNP rs533129312, ClinGen allele CA6264889.
Genomic context (GRCh38, chr11:108,252,861, plus strand): 5'-TTGTTTTTCTTTGTAGTAATTTTCCTCATCTTGTACTGGAGAAAATTCTTGTGAGTCTCA[C>G]TATGAAAAACTGTAAAGCTGCAATGAATTTTTTCCAAAGCGTGCCAGAATGGTATGTTAT-3'
Protein context (NP_000042.3, residues 606-626): LVLEKILVSL[Thr616Ser]MKNCKAAMNF